The following is an entry in ClinVar:

NM_001319074.4(RAX2):c.265G>C (p.Glu89Gln)

Gene: RAX2 (retina and anterior neural fold homeobox 2; minus strand). Cytogenetic location: 19p13.3.
Variant type: single nucleotide variant.
Coding change: c.265G>C on transcript NM_001319074.4 (MANE Select); coding-DNA position 265, G replaced by C.
Protein change: p.Glu89Gln; replaces glutamic acid 89 with glutamine.
Molecular consequence: missense variant.
Genome position (GRCh38, 1-based): chr19:3,770,911, C>G on the plus strand (G>C on the coding strand, the complement: RAX2 is on the minus strand). VCF-style: chr19-3770911-C-G. GRCh37 (hg19) VCF-style: chr19-3770909-C-G.
Other names: c.265G>C, p.Glu89Gln (NM_032753.4); short protein forms E89Q.
Identifiers: ClinVar variation 866957 (VCV000866957.12), dbSNP rs2037250401, ClinGen allele CA403375018.

ClinVar aggregate classification (germline): Uncertain significance. Review status: criteria provided, multiple submitters, no conflicts (2 of 4 stars). 2 submissions from 2 submitters: Uncertain significance (2). Last evaluated 2019-09-26.

Allele frequency attached by ClinVar (database versions not stated): gnomAD exomes below 0.00001.

Submissions (2):

Labcorp Genetics (formerly Invitae), Labcorp
Classification: Uncertain significance. Last evaluated: 2019-09-26. Review status: criteria provided, single submitter. Criteria: Invitae Variant Classification Sherloc (09022015). Collection method: clinical testing. Allele origin: germline.
Comment: In summary, the available evidence is currently insufficient to determine the role of this variant in disease. Therefore, it has been classified as a Variant of Uncertain Significance. Algorithms developed to predict the effect of missense changes on protein structure and function are either unavailable or do not agree on the potential impact of this missense change (SIFT: "Deleterious"; PolyPhen-2: "Benign"; Align-GVGD: "Class C25"). This variant has not been reported in the literature in individuals with RAX2-related conditions. The frequency data for this variant in the population databases is considered unreliable, as metrics indicate insufficient coverage at this position in the ExAC database. This sequence change replaces glutamic acid with glutamine at codon 89 of the RAX2 protein (p.Glu89Gln). The glutamic acid residue is highly conserved and there is a small physicochemical difference between glutamic acid and glutamine.

Blueprint Genetics
Classification: Uncertain significance. Last evaluated: 2018-06-12. Review status: criteria provided, single submitter. Criteria: ACMG Guidelines, 2015. Collection method: clinical testing. Allele origin: germline.